The following is an entry in ClinVar:

NM_016222.4(DDX41):c.1586_1587del (p.Thr529fs)

Gene: DDX41 (DEAD-box helicase 41; minus strand). Cytogenetic location: 5q35.3.
Variant type: Microsatellite.
Coding change: c.1586_1587del on transcript NM_016222.4 (MANE Select); coding-DNA positions 1586 to 1587, 2 bases deleted (CA; older notation c.1586_1587delCA).
Protein change: p.Thr529fs; shifts the reading frame from threonine 529.
Molecular consequence: frameshift variant.
Genome position (GRCh38, 1-based): chr5:177,512,356-177,512,357, TG deleted on the plus strand (CA on the coding strand, the reverse complement: DDX41 is on the minus strand); deleting any 2 consecutive bases within chr5:177,512,356-177,512,360 gives the same sequence; the c. name uses the placement nearest the transcript's 3' end. VCF-style (leftmost placement, unchanged base first): chr5-177512355-CTG-C. GRCh37 (hg19) VCF-style: chr5-176939356-CTG-C.
Other names: c.1208_1209del, p.Thr403fs (NM_001321732.2, NM_001321830.2); c.1586_1587delCA (NM_016222.2, NM_016222.3, NM_016222.4); short protein forms T403fs, T529fs.
Identifiers: ClinVar variation 978204 (VCV000978204.18), dbSNP rs866179648, ClinGen allele CA132889552.

ClinVar aggregate classification (germline): Pathogenic. Review status: criteria provided, multiple submitters, no conflicts (2 of 4 stars). 9 submissions from 9 submitters: Pathogenic (6). 3 of the submissions do not count toward it. Last evaluated 2026-01-06.

Conditions:
Acute myeloid leukemia (AML). Also called: Leukemia, acute myelogenous, somatic; Leukemia, acute myeloid, somatic; Acute myeloid leukemia, adult; AML adult; Acute non-lymphocytic leukemia; Acute granulocytic leukemia. Identifiers: Orphanet 519, MedGen C0023467, MeSH D015470, MONDO:0018874, OMIM 601626, HP:0004808. Disease mechanism: Constitutively activated FLT3.
DDX41-related disorders.
DDX41-related disorder. Also called: DDX41-related condition.
DDX41-related hematologic malignancy predisposition syndrome. Also called: Myeloproliferative/lymphoproliferative neoplasms, familial (multiple types), susceptibility to; DDX41-Associated Familial Myelodysplastic Syndrome and Acute Myeloid Leukemia. Identifiers: Orphanet 488647, MedGen C4225174, MONDO:0014809, OMIM 616871.
Inborn genetic diseases. Identifiers: MedGen C0950123, MeSH D030342.

Submissions (9):

Labcorp Genetics (formerly Invitae), Labcorp
Classification: Pathogenic. Last evaluated: 2026-01-06. Review status: criteria provided, single submitter. Criteria: Invitae Variant Classification Sherloc (09022015). Collection method: clinical testing. Allele origin: germline.
Comment: This sequence change creates a premature translational stop signal (p.Thr529Argfs*12) in the DDX41 gene. It is expected to result in an absent or disrupted protein product. Loss-of-function variants in DDX41 are known to be pathogenic (PMID: 26712909, 27133828). This variant is present in population databases (no rsID available, gnomAD 0.0009%). This premature translational stop signal has been observed in individual(s) with myelodysplasia (PMID: 27133828). For these reasons, this variant has been classified as Pathogenic.

Ambry Genetics
Classification: Pathogenic for Inborn genetic diseases. Last evaluated: 2025-06-26. Review status: criteria provided, single submitter. Criteria: Ambry Variant Classification Scheme 2023. Collection method: clinical testing. Allele origin: germline.
Comment: The c.1586_1587delCA pathogenic mutation, located in coding exon 15 of the DDX41 gene, results from a deletion of two nucleotides at nucleotide positions 1586 to 1587, causing a translational frameshift with a predicted alternate stop codon (p.T529Rfs*12). This alteration was identified in an individual with myelodysplastic syndrome (Cardoso SR et al. Leukemia, 2016 Oct;30:2083-2086). This alteration is expected to result in loss of function by premature protein truncation or nonsense-mediated mRNA decay. As such, this alteration is interpreted as a disease-causing mutation.

Blueprint Genetics
Classification: Pathogenic for DDX41-related disorders. Last evaluated: 2024-10-30. Review status: criteria provided, single submitter. Criteria: ACMG Guidelines, 2015. Collection method: clinical testing. Allele origin: germline. Affected: yes. Observed: 1 variant allele.

GeneDx
Classification: Pathogenic. Last evaluated: 2024-01-05. Review status: criteria provided, single submitter. Criteria: GeneDx Variant Classification Process June 2021. Collection method: clinical testing. Allele origin: germline.
Comment: Frameshift variant predicted to result in protein truncation or nonsense mediated decay in a gene for which loss of function is a known mechanism of disease; Not observed at significant frequency in large population cohorts (gnomAD); This variant is associated with the following publications: (PMID: 36672294, 35671390, 27133828)

Baylor Genetics
Classification: Pathogenic for DDX41-related hematologic malignancy predisposition syndrome. Last evaluated: 2023-10-09. Review status: criteria provided, single submitter. Criteria: ACMG Guidelines, 2015. Collection method: clinical testing. Allele origin: unknown.

Juno Genomics, Hangzhou Juno Genomics, Inc
Classification: Pathogenic for DDX41-related hematologic malignancy predisposition syndrome. Review status: criteria provided, single submitter. Criteria: ACMG Guidelines, 2015. Collection method: clinical testing. Allele origin: germline.
Comment: Absent from controls (or at extremely low frequency if recessive) in Genome Aggregation Database.;Null variant in a gene where loss of function (LOF) is a known mechanism of disease.;The prevalence of the variant in affected individuals is significantly increased compared to the prevalence in controls.

PreventionGenetics, part of Exact Sciences
Classification: Likely pathogenic for DDX41-related condition. Last evaluated: 2024-01-16. Review status: no assertion criteria provided. Collection method: clinical testing. Allele origin: germline. Not counted in ClinVar's aggregate classification.
Comment: The DDX41 c.1586_1587delCA variant is predicted to result in a frameshift and premature protein termination (p.Thr529Argfs*12). This variant was reported in a patient with myelodysplasia with acute myeloid leukaemia (Cardoso et al. 2016. PubMed ID: 27133828). This variant is reported in 0.00088% of alleles in individuals of European (Non-Finnish) descent in gnomAD. Frameshift variants in DDX41 are expected to be pathogenic. This variant is interpreted as likely pathogenic.

Clinical Genomics Labs, University Health Network
Classification: Pathogenic for DDX41-related hematologic malignancy predisposition syndrome. Last evaluated: 2021-02-16. Review status: no assertion criteria provided. Criteria: ACMG Guidelines, 2015. Collection method: clinical testing. Allele origin: germline. Affected: yes. Not counted in ClinVar's aggregate classification.

Bone Marrow Failure laboratory, Queen Mary University London
Classification: Likely pathogenic for Acute myeloid leukemia. Last evaluated: 2020-09-01. Review status: no assertion criteria provided. Collection method: research. Allele origin: germline. Affected: yes. Not counted in ClinVar's aggregate classification.
Comment: The following ACMG/AMP criteria were used: PVS1, PP3.

Literature cited by the submitters: PubMed 26712909 (cited by Labcorp Genetics (formerly Invitae), Labcorp); PubMed 27133828 (cited by 3 submitters).